The following is an entry in ClinVar:

NM_015559.3(SETBP1):c.2530G>A (p.Glu844Lys)

Gene: SETBP1 (SET binding protein 1; plus strand). Cytogenetic location: 18q12.3.
Variant type: single nucleotide variant.
Coding change: c.2530G>A on transcript NM_015559.3 (MANE Select); coding-DNA position 2530, G replaced by A.
Protein change: p.Glu844Lys; replaces glutamic acid 844 with lysine.
Molecular consequence: missense variant.
Genome position (GRCh38, 1-based): chr18:44,951,870, G>A. VCF-style: chr18-44951870-G-A. GRCh37 (hg19) VCF-style: chr18-42531835-G-A.
Other names: c.2530G>A, p.Glu844Lys (NM_001379141.1, NM_001379142.1, NM_001410862.1); c.2530G>A (NM_015559.2); short protein forms E844K.
Identifiers: ClinVar variation 1719211 (VCV001719211.6), dbSNP rs2511472227, ClinGen allele CA402321625.

ClinVar aggregate classification (germline): Uncertain significance. Review status: criteria provided, multiple submitters, no conflicts (2 of 4 stars). 2 submissions from 2 submitters: Uncertain significance (2). Last evaluated 2023-06-15.

Submissions (2):

GeneDx
Classification: Uncertain significance. Last evaluated: 2023-06-15. Review status: criteria provided, single submitter. Criteria: GeneDx Variant Classification Process June 2021. Collection method: clinical testing. Allele origin: germline. Affected: yes.
Comment: Not observed at significant frequency in large population cohorts (gnomAD); In silico analysis supports that this missense variant has a deleterious effect on protein structure/function; Has not been previously published as pathogenic or benign to our knowledge

Labcorp Genetics (formerly Invitae), Labcorp
Classification: Uncertain significance. Last evaluated: 2022-09-10. Review status: criteria provided, single submitter. Criteria: Invitae Variant Classification Sherloc (09022015). Collection method: clinical testing. Allele origin: germline.
Comment: This variant is not present in population databases (gnomAD no frequency). In summary, the available evidence is currently insufficient to determine the role of this variant in disease. Therefore, it has been classified as a Variant of Uncertain Significance. Algorithms developed to predict the effect of missense changes on protein structure and function (SIFT, PolyPhen-2, Align-GVGD) all suggest that this variant is likely to be disruptive. This variant has not been reported in the literature in individuals affected with SETBP1-related conditions. This sequence change replaces glutamic acid, which is acidic and polar, with lysine, which is basic and polar, at codon 844 of the SETBP1 protein (p.Glu844Lys).